The following is an entry in ClinVar:

NM_145290.4(ADGRA3):c.478C>T (p.Leu160Phe)

Gene: ADGRA3 (adhesion G protein-coupled receptor A3; minus strand). Cytogenetic location: 4p15.2.
Variant type: single nucleotide variant.
Coding change: c.478C>T on transcript NM_145290.4 (MANE Select); coding-DNA position 478, C replaced by T.
Protein change: p.Leu160Phe; replaces leucine 160 with phenylalanine.
Molecular consequence: missense variant.
Genome position (GRCh38, 1-based): chr4:22,447,507, G>A on the plus strand (C>T on the coding strand, the complement: ADGRA3 is on the minus strand). VCF-style: chr4-22447507-G-A. GRCh37 (hg19) VCF-style: chr4-22449130-G-A.
Other names: short protein forms L160F.
Identifiers: ClinVar variation 2787231 (VCV002787231.3), dbSNP rs114895475, ClinGen allele CA356479042.

ClinVar aggregate classification (germline): Uncertain significance (1 of 4 stars; one submission).

gnomAD v4.1: 1 of 1,557,832 alleles (0.000064%); highest among the groups gnomAD compares: Admixed American, 0.0019%; no homozygotes.

Submission:

Labcorp Genetics (formerly Invitae), Labcorp
Classification: Uncertain significance. Last evaluated: 2022-11-24. Review status: criteria provided, single submitter. Criteria: Invitae Variant Classification Sherloc (09022015). Collection method: clinical testing. Allele origin: germline.
Comment: This sequence change replaces leucine, which is neutral and non-polar, with phenylalanine, which is neutral and non-polar, at codon 160 of the ADGRA3 protein (p.Leu160Phe). The frequency data for this variant in the population databases is considered unreliable, as metrics indicate poor data quality at this position in the gnomAD database. In summary, the available evidence is currently insufficient to determine the role of this variant in disease. Therefore, it has been classified as a Variant of Uncertain Significance. Algorithms developed to predict the effect of missense changes on protein structure and function are either unavailable or do not agree on the potential impact of this missense change (SIFT: "Deleterious"; PolyPhen-2: "Probably Damaging"; Align-GVGD: "Class C0"). This variant has not been reported in the literature in individuals affected with ADGRA3-related conditions.